The following is an entry in ClinVar:

ClinVar aggregate classification (germline): Uncertain significance (1 of 4 stars; one submission).

Conditions:
Retinitis pigmentosa 25 (RP25). Identifiers: Orphanet 791, MedGen C1864446, MONDO:0011272, OMIM 602772.

Submission:

Myriad Genetics, Inc.
Classification: Uncertain significance for Retinitis pigmentosa 25. Last evaluated: 2025-12-22. Review status: criteria provided, single submitter. Criteria: Myriad Autosomal Dominant, Autosomal Recessive and X-Linked Classification Criteria (2023). Collection method: clinical testing. Allele origin: unknown.
Comment: NM_001142800.1(EYS):c.8963C>T(T2988I) is a missense variant classified as a variant of uncertain significance in the context of retinitis pigmentosa, EYS-related. T2988I has been observed in cases with relevant disease (PMID: 38819824, 34689181). Relevant functional assessments of this variant are not available in the literature. T2988I has not been observed in referenced population frequency databases. In summary, there is insufficient evidence to classify NM_001142800.1(EYS):c.8963C>T(T2988I) as pathogenic or benign. Please note: this variant was assessed in the context of healthy population screening.

Literature cited by the submitters: PubMed 34689181; PubMed 38819824.

NM_001142800.2(EYS):c.8963C>T (p.Thr2988Ile)

Genes: EYS (EGF-like photoreceptor maintenance factor; minus strand), PHF3 (PHD finger protein 3; plus strand). Cytogenetic location: 6q12.
Variant type: single nucleotide variant.
Coding change: c.8963C>T on transcript NM_001142800.2 (MANE Select); coding-DNA position 8963, C replaced by T.
Protein change: p.Thr2988Ile; replaces threonine 2988 with isoleucine.
Molecular consequence: missense variant. On other transcripts: 3 prime UTR variant (5).
Genome position (GRCh38, 1-based): chr6:63,721,068, G>A on the plus strand (C>T on the coding strand, the complement: EYS is on the minus strand). VCF-style: chr6-63721068-G-A. GRCh37 (hg19) VCF-style: chr6-64430964-G-A.
Other names: c.*7360G>A (NM_001290259.2, NM_001370348.2, NM_001370349.2 and 2 more transcripts); c.9026C>T, p.Thr3009Ile (NM_001292009.2); short protein forms T2988I, T3009I.
Identifiers: ClinVar variation 5003545 (VCV005003545.1).